The following is an entry in ClinVar:

ClinVar aggregate classification (germline): Uncertain significance (1 of 4 stars; one submission).

Conditions:
Anauxetic dysplasia. Identifiers: Orphanet 93347, MedGen C1846796, MONDO:0011773.

Allele frequency attached by ClinVar (database versions not stated): gnomAD 0.00002; TOPMed 0.00002; gnomAD exomes 0.00005; ExAC 0.00064.

Submission:

Labcorp Genetics (formerly Invitae), Labcorp
Classification: Uncertain significance for Anauxetic dysplasia. Last evaluated: 2022-03-20. Review status: criteria provided, single submitter. Criteria: Invitae Variant Classification Sherloc (09022015). Collection method: clinical testing. Allele origin: germline.
Comment: This variant occurs in the RMRP gene, which encodes an RNA molecule that does not result in a protein product. This variant is present in population databases (rs773388104, gnomAD 0.02%). This variant has not been reported in the literature in individuals affected with RMRP-related conditions. Experimental studies and prediction algorithms are not available or were not evaluated, and the functional significance of this variant is currently unknown. In summary, the available evidence is currently insufficient to determine the role of this variant in disease. Therefore, it has been classified as a Variant of Uncertain Significance.

NC_000009.12:g.35657731C>G

Gene: RMRP (RNA component of mitochondrial RNA processing endoribonuclease; minus strand). Cytogenetic location: 9p13.3.
Variant type: single nucleotide variant.
Genome position: GRCh38 VCF-style: chr9-35657731-C-G. GRCh37 (hg19) VCF-style: chr9-35657728-C-G.
Identifiers: ClinVar variation 2195490 (VCV002195490.1), dbSNP rs773388104, ClinGen allele CA5045799.